The following is an entry in ClinVar:

ClinVar aggregate classification (germline): Uncertain significance. Review status: criteria provided, multiple submitters, no conflicts (2 of 4 stars). 2 submissions from 2 submitters: Uncertain significance (2). Last evaluated 2025-07-27.

Conditions:
Noonan syndrome (NS). Also called: Noonan's syndrome. Identifiers: Orphanet 648, MedGen C0028326, MeSH D009634, MONDO:0018997. Disease mechanism: gain of function.

Allele frequency attached by ClinVar (database versions not stated): gnomAD exomes 0.00002 and 0.00005; TOPMed 0.00003; gnomAD 0.00004; ExAC 0.00005.
gnomAD v4.1: 32 of 1,443,756 alleles (0.0022%); highest among the groups gnomAD compares: East Asian, 0.005%; 1 homozygote.

Submissions (2):

Labcorp Genetics (formerly Invitae), Labcorp
Classification: Uncertain significance for Noonan syndrome. Last evaluated: 2025-07-27. Review status: criteria provided, single submitter. Criteria: Invitae Variant Classification Sherloc (09022015). Collection method: clinical testing. Allele origin: germline.
Comment: This sequence change replaces valine, which is neutral and non-polar, with isoleucine, which is neutral and non-polar, at codon 216 of the RRAS protein (p.Val216Ile). This variant is present in population databases (rs748655822, gnomAD 0.01%). This variant has not been reported in the literature in individuals affected with RRAS-related conditions. ClinVar contains an entry for this variant (Variation ID: 1366588). An algorithm developed to predict the effect of missense changes on protein structure and function outputs the following: PolyPhen-2: "Benign". The isoleucine amino acid residue is found in multiple mammalian species, which suggests that this missense change does not adversely affect protein function. In summary, the available evidence is currently insufficient to determine the role of this variant in disease. Therefore, it has been classified as a Variant of Uncertain Significance.

Ambry Genetics
Classification: Uncertain significance. Last evaluated: 2025-01-15. Review status: criteria provided, single submitter. Criteria: Ambry Variant Classification Scheme 2023. Collection method: clinical testing. Allele origin: germline.

NM_006270.5(RRAS):c.646G>A (p.Val216Ile)

Gene: RRAS (RAS related; minus strand). Cytogenetic location: 19q13.33.
Variant type: single nucleotide variant.
Coding change: c.646G>A on transcript NM_006270.5 (MANE Select); coding-DNA position 646, G replaced by A.
Protein change: p.Val216Ile; replaces valine 216 with isoleucine.
Molecular consequence: missense variant.
Genome position (GRCh38, 1-based): chr19:49,635,587, C>T on the plus strand (G>A on the coding strand, the complement: RRAS is on the minus strand). VCF-style: chr19-49635587-C-T. GRCh37 (hg19) VCF-style: chr19-50138844-C-T.
Other names: c.646G>A (NM_006270.3); short protein forms V216I.
Identifiers: ClinVar variation 1366588 (VCV001366588.8), dbSNP rs748655822, ClinGen allele CA9578921.